The following is an entry in ClinVar:

ClinVar aggregate classification (germline): Conflicting classifications of pathogenicity. Review status: criteria provided, conflicting classifications (1 of 4 stars). 3 submissions from 3 submitters: Uncertain significance (2); Likely benign (1). Last evaluated 2025-09-17.

Conditions:
Early-infantile DEE. Also called: Early infantile epileptic encephalopathy; Ohtahara syndrome; Early infantile epileptic encephalopathy with suppression bursts. Identifiers: Orphanet 1934, MedGen C0393706, MONDO:0800491.

Allele frequency attached by ClinVar (database versions not stated): gnomAD exomes 0.00001; TOPMed 0.00001; ExAC 0.00002.
gnomAD v4.1: 6 of 1,613,650 alleles (0.00037%); highest among the groups gnomAD compares: South Asian, 0.0011%; no homozygotes.

Submissions (3):

Labcorp Genetics (formerly Invitae), Labcorp
Classification: Uncertain significance for Early-infantile DEE. Last evaluated: 2025-09-17. Review status: criteria provided, single submitter. Criteria: Invitae Variant Classification Sherloc (09022015). Collection method: clinical testing. Allele origin: germline.
Comment: This sequence change replaces isoleucine, which is neutral and non-polar, with valine, which is neutral and non-polar, at codon 1993 of the SCN1A protein (p.Ile1993Val). This variant is present in population databases (rs751750112, gnomAD 0.002%). This variant has not been reported in the literature in individuals affected with SCN1A-related conditions. ClinVar contains an entry for this variant (Variation ID: 206887). Invitae Evidence Modeling of protein sequence and biophysical properties (such as structural, functional, and spatial information, amino acid conservation, physicochemical variation, residue mobility, and thermodynamic stability) indicates that this missense variant is not expected to disrupt SCN1A protein function with a negative predictive value of 95%. In summary, the available evidence is currently insufficient to determine the role of this variant in disease. Therefore, it has been classified as a Variant of Uncertain Significance.

Revvity Omics, Revvity
Classification: Uncertain significance. Last evaluated: 2021-11-19. Review status: criteria provided, single submitter. Criteria: ACMG Guidelines, 2015. Collection method: clinical testing. Allele origin: germline.

GeneDx
Classification: Likely benign. Last evaluated: 2016-01-21. Review status: criteria provided, single submitter. Criteria: GeneDx Variant Classification (06012015). Collection method: clinical testing. Allele origin: germline. Affected: yes.
Comment: This variant is considered likely benign or benign based on one or more of the following criteria: it is a conservative change, it occurs at a poorly conserved position in the protein, it is predicted to be benign by multiple in silico algorithms, and/or has population frequency not consistent with disease.

NM_001165963.4(SCN1A):c.5977A>G (p.Ile1993Val)

Genes: SCN1A (sodium voltage-gated channel alpha subunit 1; minus strand), LOC102724058 (uncharacterized LOC102724058; plus strand). Cytogenetic location: 2q24.3.
Variant type: single nucleotide variant.
Coding change: c.5977A>G on transcript NM_001165963.4 (MANE Select); coding-DNA position 5977, A replaced by G.
Protein change: p.Ile1993Val; replaces isoleucine 1993 with valine.
Molecular consequence: missense variant. On other transcripts: non-coding transcript variant (1).
Genome position (GRCh38, 1-based): chr2:165,991,298, T>C on the plus strand (A>G on the coding strand, the complement: SCN1A is on the minus strand). VCF-style: chr2-165991298-T-C. GRCh37 (hg19) VCF-style: chr2-166847808-T-C.
Other names: p.I1993V:ATT>GTT; c.5893A>G, p.Ile1965Val (NM_001165964.3, NM_001353957.2, NM_001353958.2); c.5977A>G, p.Ile1993Val (NM_001202435.3, NM_001353948.2); c.5944A>G, p.Ile1982Val (NM_001353949.2, NM_001353950.2, NM_001353951.2 and 2 more transcripts); c.5941A>G, p.Ile1981Val (NM_001353954.2, NM_001353955.2); c.5890A>G, p.Ile1964Val (NM_001353960.2); c.3535A>G, p.Ile1179Val (NM_001353961.2); c.5977A>G (NM_001165963.3); short protein forms I1982V, I1993V, I1964V, I1179V, I1965V, I1981V.
Identifiers: ClinVar variation 206887 (VCV000206887.12), dbSNP rs751750112, ClinGen allele CA317690.